The following is an entry in ClinVar:

NM_004577.4(PSPH):c.341G>T (p.Ser114Ile)

Gene: PSPH (phosphoserine phosphatase; minus strand). Cytogenetic location: 7p11.2.
Variant type: single nucleotide variant.
Coding change: c.341G>T on transcript NM_004577.4 (MANE Select); coding-DNA position 341, G replaced by T.
Protein change: p.Ser114Ile; replaces serine 114 with isoleucine.
Molecular consequence: missense variant.
Genome position (GRCh38, 1-based): chr7:56,017,314, C>A on the plus strand (G>T on the coding strand, the complement: PSPH is on the minus strand). VCF-style: chr7-56017314-C-A. GRCh37 (hg19) VCF-style: chr7-56085007-C-A.
Other names: c.341G>T, p.Ser114Ile (NM_001370503.1, NM_001370504.1, NM_001370505.1 and 17 more transcripts); short protein forms S114I.
Identifiers: ClinVar variation 2195722 (VCV002195722.1), dbSNP rs140301679, ClinGen allele CA4268663.

ClinVar aggregate classification (germline): Uncertain significance (1 of 4 stars; one submission).

Conditions:
Deficiency of phosphoserine phosphatase (PSPHD). Also called: PSPH deficiency; Phosphoserine phosphatase deficiency. Identifiers: Orphanet 79350, MedGen C1291463, MONDO:0013531, OMIM 614023.

Allele frequency attached by ClinVar (database versions not stated): gnomAD exomes 0.00001; gnomAD 0.00002; TOPMed 0.00003; ExAC 0.00005; 1000 Genomes Project 30x 0.00016; 1000 Genomes Project 0.00020.
gnomAD v4.1: 18 of 1,612,966 alleles (0.0011%); highest among the groups gnomAD compares: East Asian, 0.036%; no homozygotes.

Submission:

Labcorp Genetics (formerly Invitae), Labcorp
Classification: Uncertain significance for Deficiency of phosphoserine phosphatase. Last evaluated: 2021-12-25. Review status: criteria provided, single submitter. Criteria: Invitae Variant Classification Sherloc (09022015). Collection method: clinical testing. Allele origin: germline.
Comment: This sequence change replaces serine, which is neutral and polar, with isoleucine, which is neutral and non-polar, at codon 114 of the PSPH protein (p.Ser114Ile). This variant is present in population databases (rs140301679, gnomAD 0.08%). This variant has not been reported in the literature in individuals affected with PSPH-related conditions. Algorithms developed to predict the effect of missense changes on protein structure and function are either unavailable or do not agree on the potential impact of this missense change (SIFT: "Tolerated"; PolyPhen-2: "Probably Damaging"; Align-GVGD: "Class C0"). In summary, the available evidence is currently insufficient to determine the role of this variant in disease. Therefore, it has been classified as a Variant of Uncertain Significance.